The following is an entry in ClinVar:

NM_001195.5(BFSP1):c.55G>A (p.Asp19Asn)

Gene: BFSP1 (beaded filament structural protein 1; minus strand). Cytogenetic location: 20p12.1.
Variant type: single nucleotide variant.
Coding change: c.55G>A on transcript NM_001195.5 (MANE Select); coding-DNA position 55, G replaced by A.
Protein change: p.Asp19Asn; replaces aspartic acid 19 with asparagine.
Molecular consequence: missense variant. On other transcripts: intron variant (4).
Genome position (GRCh38, 1-based): chr20:17,531,275, C>T on the plus strand (G>A on the coding strand, the complement: BFSP1 is on the minus strand). VCF-style: chr20-17531275-C-T. GRCh37 (hg19) VCF-style: chr20-17511920-C-T.
Other names: c.55G>A, p.Asp19Asn (NM_001424338.1); c.-40-6367G>A (NM_001278608.2, NM_001278606.2); c.45-6367G>A (NM_001278607.2); c.3-6367G>A (NM_001161705.2); c.55G>A (NM_001195.3); short protein forms D19N.
Identifiers: ClinVar variation 2721088 (VCV002721088.4), dbSNP rs1490233749, ClinGen allele CA408310326.

ClinVar aggregate classification (germline): Uncertain significance. Review status: criteria provided, multiple submitters, no conflicts (2 of 4 stars). 2 submissions from 2 submitters: Uncertain significance (2). Last evaluated 2025-09-26.

Conditions:
Inborn genetic diseases. Identifiers: MedGen C0950123, MeSH D030342.
Cataract 33. Also called: CATARACT 33, CORTICAL. Identifiers: Orphanet 91492, MedGen C3808107, MONDO:0012665, OMIM 611391.

Allele frequency attached by ClinVar (database versions not stated): gnomAD 0.00001; TOPMed 0.00001.

Submissions (2):

Ambry Genetics
Classification: Uncertain significance for Inborn genetic diseases. Last evaluated: 2025-09-26. Review status: criteria provided, single submitter. Criteria: Ambry Variant Classification Scheme 2023. Collection method: clinical testing. Allele origin: germline.

Labcorp Genetics (formerly Invitae), Labcorp
Classification: Uncertain significance for Cataract 33. Last evaluated: 2023-05-09. Review status: criteria provided, single submitter. Criteria: Invitae Variant Classification Sherloc (09022015). Collection method: clinical testing. Allele origin: germline.
Comment: In summary, the available evidence is currently insufficient to determine the role of this variant in disease. Therefore, it has been classified as a Variant of Uncertain Significance. Advanced modeling of protein sequence and biophysical properties (such as structural, functional, and spatial information, amino acid conservation, physicochemical variation, residue mobility, and thermodynamic stability) performed at Invitae indicates that this missense variant is not expected to disrupt BFSP1 protein function. This variant has not been reported in the literature in individuals affected with BFSP1-related conditions. The frequency data for this variant in the population databases is considered unreliable, as metrics indicate poor data quality at this position in the gnomAD database. This sequence change replaces aspartic acid, which is acidic and polar, with asparagine, which is neutral and polar, at codon 19 of the BFSP1 protein (p.Asp19Asn).